The following is an entry in ClinVar:

ClinVar aggregate classification (germline): Uncertain significance (1 of 4 stars; one submission).

Conditions:
Inborn genetic diseases. Identifiers: MedGen C0950123, MeSH D030342.

Submission:

Ambry Genetics
Classification: Uncertain significance for Inborn genetic diseases. Last evaluated: 2023-01-10. Review status: criteria provided, single submitter. Criteria: Ambry Variant Classification Scheme 2023. Collection method: clinical testing. Allele origin: germline.
Comment: The c.907A>C (p.N303H) alteration is located in exon 11 (coding exon 10) of the CNOT3 gene. This alteration results from a A to C substitution at nucleotide position 907, causing the asparagine (N) at amino acid position 303 to be replaced by a histidine (H). The p.N303H alteration is predicted to be tolerated by in silico analysis. Based on insufficient or conflicting evidence, the clinical significance of this alteration remains unclear.

NM_014516.4(CNOT3):c.907A>C (p.Asn303His)

Gene: CNOT3 (CCR4-NOT transcription complex subunit 3; plus strand). Cytogenetic location: 19q13.42.
Variant type: single nucleotide variant.
Coding change: c.907A>C on transcript NM_014516.4 (MANE Select); coding-DNA position 907, A replaced by C.
Protein change: p.Asn303His; replaces asparagine 303 with histidine.
Molecular consequence: missense variant.
Genome position (GRCh38, 1-based): chr19:54,148,160, A>C. VCF-style: chr19-54148160-A-C. GRCh37 (hg19) VCF-style: chr19-54651895-A-C.
Other names: short protein forms N303H.
Identifiers: ClinVar variation 2230073 (VCV002230073.3), dbSNP rs2517926118, ClinGen allele CA407763014.